The following is an entry in ClinVar:

NM_198578.4(LRRK2):c.6853G>T (p.Ala2285Ser)

Gene: LRRK2 (leucine rich repeat kinase 2; plus strand). Cytogenetic location: 12q12.
Variant type: single nucleotide variant.
Coding change: c.6853G>T on transcript NM_198578.4 (MANE Select); coding-DNA position 6853, G replaced by T.
Protein change: p.Ala2285Ser; replaces alanine 2285 with serine.
Molecular consequence: missense variant.
Genome position (GRCh38, 1-based): chr12:40,359,269, G>T. VCF-style: chr12-40359269-G-T. GRCh37 (hg19) VCF-style: chr12-40753071-G-T.
Other names: short protein forms A2285S.
Identifiers: ClinVar variation 3540484 (VCV003540484.1).

ClinVar aggregate classification (germline): Uncertain significance (1 of 4 stars; one submission).

Conditions:
Inborn genetic diseases. Identifiers: MedGen C0950123, MeSH D030342.

gnomAD v4.1: 1 of 1,610,894 alleles (0.000062%); no homozygotes.

Submission:

Ambry Genetics
Classification: Uncertain significance for Inborn genetic diseases. Last evaluated: 2024-09-02. Review status: criteria provided, single submitter. Criteria: Ambry Variant Classification Scheme 2023. Collection method: clinical testing. Allele origin: germline.
Comment: The p.A2285S variant (also known as c.6853G>T), located in coding exon 47 of the LRRK2 gene, results from a G to T substitution at nucleotide position 6853. The alanine at codon 2285 is replaced by serine, an amino acid with similar properties. This amino acid position is conserved. In addition, this alteration is predicted to be tolerated by in silico analysis. Based on the available evidence, the clinical significance of this variant remains unclear.